The following is an entry in ClinVar:

ClinVar aggregate classification (germline): Uncertain significance (1 of 4 stars; one submission).

Submission:

GeneDx
Classification: Uncertain significance. Last evaluated: 2026-03-05. Review status: criteria provided, single submitter. Criteria: GeneDx Variant Classification Process June 2021. Collection method: clinical testing. Allele origin: germline.
Comment: Not observed at significant frequency in large population cohorts (gnomAD); In silico analysis suggests that this missense variant does not alter protein structure/function; Has not been previously published as pathogenic or benign to our knowledge

NM_032217.5(ANKRD17):c.5170G>T (p.Val1724Leu)

Gene: ANKRD17 (ankyrin repeat domain 17; minus strand). Cytogenetic location: 4q13.3.
Variant type: single nucleotide variant.
Coding change: c.5170G>T on transcript NM_032217.5 (MANE Select); coding-DNA position 5170, G replaced by T.
Protein change: p.Val1724Leu; replaces valine 1724 with leucine.
Molecular consequence: missense variant.
Genome position (GRCh38, 1-based): chr4:73,097,124, C>A on the plus strand (G>T on the coding strand, the complement: ANKRD17 is on the minus strand). VCF-style: chr4-73097124-C-A. GRCh37 (hg19) VCF-style: chr4-73962841-C-A.
Other names: c.4831G>T, p.Val1611Leu (NM_001286771.3); c.5167G>T, p.Val1723Leu (NM_015574.2); c.4417G>T, p.Val1473Leu (NM_198889.3); short protein forms V1611L, V1724L, V1473L, V1723L.
Identifiers: ClinVar variation 5008550 (VCV005008550.1).